The following is an entry in ClinVar:

NM_000059.4(BRCA2):c.9906G>T (p.Arg3302Ser)

Gene: BRCA2 (BRCA2 DNA repair associated; plus strand). Cytogenetic location: 13q13.1.
Variant type: single nucleotide variant.
Coding change: c.9906G>T on transcript NM_000059.4 (MANE Select); coding-DNA position 9906, G replaced by T.
Protein change: p.Arg3302Ser; replaces arginine 3302 with serine.
Molecular consequence: missense variant.
Genome position (GRCh38, 1-based): chr13:32,398,419, G>T. VCF-style: chr13-32398419-G-T. GRCh37 (hg19) VCF-style: chr13-32972556-G-T.
Other names: short protein forms R3302S.
Identifiers: ClinVar variation 187584 (VCV000187584.11), dbSNP rs786203842, ClinGen allele CA026327.

ClinVar aggregate classification (germline): Uncertain significance. Review status: criteria provided, multiple submitters, no conflicts (2 of 4 stars). 3 submissions from 3 submitters: Uncertain significance (3). Last evaluated 2026-01-07.

Conditions:
BRCA2-related cancer predisposition. Identifiers: MedGen CN377758, MONDO:0700269.
BRCA2-related disorder. Also called: BRCA2-related condition; BRCA2-related disorders. Identifiers: MedGen CN239275.
Hereditary cancer-predisposing syndrome. Also called: Neoplastic Syndromes, Hereditary; Tumor predisposition; Hereditary neoplastic syndrome; Hereditary Cancer Syndrome. Identifiers: Orphanet 140162, MedGen C0027672, MeSH D009386, MONDO:0015356.

Allele frequency attached by ClinVar (database versions not stated): gnomAD exomes below 0.00001; TOPMed below 0.00001.

Submissions (3):

PreventionGenetics, part of Exact Sciences
Classification: Uncertain significance for BRCA2-related condition. Last evaluated: 2026-01-07. Review status: criteria provided, single submitter. Criteria: ACMG Guidelines, 2015. Collection method: clinical testing. Allele origin: germline.
Comment: The BRCA2 c.9906G>T variant is predicted to result in the amino acid substitution p.Arg3302Ser. To our knowledge, this variant has not been reported in the literature or in a large population database, indicating this variant is rare. The variant has an interpretation of uncertain in ClinVar (Variation ID: 187584). At this time, the clinical significance of this variant is uncertain due to the absence of conclusive functional and genetic evidence.

Ambry Genetics
Classification: Uncertain significance for Hereditary cancer-predisposing syndrome. Last evaluated: 2024-12-08. Review status: criteria provided, single submitter. Criteria: Ambry Variant Classification Scheme 2023. Collection method: clinical testing. Allele origin: germline.
Comment: The p.R3302S variant (also known as c.9906G>T), located in coding exon 26 of the BRCA2 gene, results from a G to T substitution at nucleotide position 9906. The arginine at codon 3302 is replaced by serine, an amino acid with dissimilar properties. This amino acid position is highly conserved in available vertebrate species. In addition, this alteration is predicted to be tolerated by in silico analysis. Since supporting evidence is limited at this time, the clinical significance of this alteration remains unclear.

All of Us Research Program, National Institutes of Health
Classification: Uncertain significance for BRCA2-related cancer predisposition. Last evaluated: 2024-07-20. Review status: criteria provided, single submitter. Criteria: ACMG Guidelines, 2015. Collection method: clinical testing. Allele origin: germline. Inheritance: Autosomal dominant inheritance. Observed: 3 variant alleles, 3 heterozygotes.
Comment: This missense variant replaces arginine with serine at codon 3302 of the BRCA2 protein. Computational prediction suggests that this variant may not impact protein structure and function (internally defined REVEL score threshold <= 0.5, PMID: 27666373). To our knowledge, functional studies have not been reported for this variant. This variant has not been reported in individuals affected with BRCA2-related cancer in the literature, but it has been reported in an unaffected individual (PMID: 33471991; Leiden Open Variation Database DB-ID BRCA2_008805). This variant has not been identified in the general population by the Genome Aggregation Database (gnomAD). The available evidence is insufficient to determine the role of this variant in disease conclusively. Therefore, this variant is classified as a Variant of Uncertain Significance.

This study involves interpretation of variants in research participants for the purpose of population health screening. Participant phenotype was not available at the time of variant classification. Additional details can be found in publication PMID: 35346344, PMCID: PMC8962531

Literature cited by the submitters: PubMed 33471991 (cited by All of Us Research Program, National Institutes of Health).